The following is an entry in ClinVar:

NM_001377.3(DYNC2H1):c.12040G>A (p.Val4014Ile)

Gene: DYNC2H1 (dynein cytoplasmic 2 heavy chain 1; plus strand). Cytogenetic location: 11q22.3.
Variant type: single nucleotide variant.
Coding change: c.12040G>A on transcript NM_001377.3 (MANE Select); coding-DNA position 12040, G replaced by A.
Protein change: p.Val4014Ile; replaces valine 4014 with isoleucine.
Molecular consequence: missense variant.
Genome position (GRCh38, 1-based): chr11:103,358,243, G>A. VCF-style: chr11-103358243-G-A. GRCh37 (hg19) VCF-style: chr11-103228971-G-A.
Other names: c.12061G>A, p.Val4021Ile (NM_001080463.2); short protein forms V4014I, V4021I.
Identifiers: ClinVar variation 1319002 (VCV001319002.5), dbSNP rs532644983, ClinGen allele CA6255452.

ClinVar aggregate classification (germline): Uncertain significance. Review status: criteria provided, multiple submitters, no conflicts (2 of 4 stars). 3 submissions from 3 submitters: Uncertain significance (3). Last evaluated 2024-03-09.

Conditions:
Jeune thoracic dystrophy. Also called: Jeune syndrome; Infantile thoracic dystrophy; Thoracic pelvic phalangeal dystrophy; Jeune's syndrome; Chondroectodermal dysplasia-like syndrome; Short-rib thoracic dysplasia. Identifiers: Orphanet 474, MedGen C0265275, MONDO:0018770.

Allele frequency attached by ClinVar (database versions not stated): gnomAD 0.00008; gnomAD exomes 0.00014; ExAC 0.00030; 1000 Genomes Project 30x 0.00047; 1000 Genomes Project 0.00060.
gnomAD v4.1: 140 of 1,533,190 alleles (0.0091%); highest among the groups gnomAD compares: South Asian, 0.16%; 1 homozygote.

Submissions (3):

Blueprint Genetics
Classification: Uncertain significance. Last evaluated: 2024-03-09. Review status: criteria provided, single submitter. Criteria: ACMG Guidelines, 2015. Collection method: clinical testing. Allele origin: germline.

Labcorp Genetics (formerly Invitae), Labcorp
Classification: Uncertain significance for Jeune thoracic dystrophy. Last evaluated: 2022-07-06. Review status: criteria provided, single submitter. Criteria: Invitae Variant Classification Sherloc (09022015). Collection method: clinical testing. Allele origin: germline.
Comment: This sequence change replaces valine, which is neutral and non-polar, with isoleucine, which is neutral and non-polar, at codon 4021 of the DYNC2H1 protein (p.Val4021Ile). This variant is present in population databases (rs532644983, gnomAD 0.1%). This variant has not been reported in the literature in individuals affected with DYNC2H1-related conditions. ClinVar contains an entry for this variant (Variation ID: 1319002). Algorithms developed to predict the effect of missense changes on protein structure and function are either unavailable or do not agree on the potential impact of this missense change (SIFT: "Deleterious"; PolyPhen-2: "Possibly Damaging"; Align-GVGD: "Class C0"). In summary, the available evidence is currently insufficient to determine the role of this variant in disease. Therefore, it has been classified as a Variant of Uncertain Significance.

GeneDx
Classification: Uncertain significance. Last evaluated: 2019-04-15. Review status: criteria provided, single submitter. Criteria: GeneDx Variant Classification Process June 2021. Collection method: clinical testing. Allele origin: germline. Affected: yes.
Comment: In silico analysis, which includes protein predictors and evolutionary conservation, supports that this variant does not alter protein structure/function; Has not been previously published as pathogenic or benign to our knowledge